The following is an entry in ClinVar:

ClinVar aggregate classification (germline): Benign/Likely benign. Review status: criteria provided, multiple submitters, no conflicts (2 of 4 stars). 4 submissions from 4 submitters: Benign (3); Likely benign (1). Last evaluated 2026-01-24.

Submissions (4):

Labcorp Genetics (formerly Invitae), Labcorp
Classification: Benign. Last evaluated: 2026-01-24. Review status: criteria provided, single submitter. Criteria: Invitae Variant Classification Sherloc (09022015). Collection method: clinical testing. Allele origin: germline.

Blueprint Genetics
Classification: Likely benign. Last evaluated: 2024-11-27. Review status: criteria provided, single submitter. Criteria: ACMG Guidelines, 2015. Collection method: clinical testing. Allele origin: germline.

Mayo Clinic Laboratories, Mayo Clinic
Classification: Benign. Last evaluated: 2024-07-26. Review status: criteria provided, single submitter. Criteria: ACMG Guidelines, 2015. Collection method: clinical testing. Allele origin: germline. Observed: 2 variant alleles.
Comment: BA1, BP4, BP7

GeneDx
Classification: Benign. Last evaluated: 2019-03-19. Review status: criteria provided, single submitter. Criteria: GeneDx Variant Classification Process June 2021. Collection method: clinical testing. Allele origin: germline. Affected: yes.

NM_004447.6(EPS8):c.60-33TTA[9]

Gene: EPS8 (EGFR pathway substrate 8, signaling adaptor; minus strand). Cytogenetic location: 12p12.3.
Variant type: Microsatellite.
Coding change: c.60-33TTA[9] on transcript NM_004447.6 (MANE Select); nine copies in a row of the 3-base unit TTA starting at c.60-33; the reference has ten copies in a row; one copy, 3 bases deleted.
Molecular consequence: intron variant.
Genome position (GRCh38, 1-based): chr12:15,681,306-15,681,308, TAA deleted on the plus strand (TTA on the coding strand, the reverse complement: EPS8 is on the minus strand); deleting any 3 consecutive bases within chr12:15,681,306-15,681,337 gives the same sequence; the position shown is the placement nearest the transcript's 3' end. VCF-style (leftmost placement, unchanged base first): chr12-15681305-GTAA-G. GRCh37 (hg19) VCF-style: chr12-15834239-GTAA-G.
Other names: p.?; c.60-6_60-4del (NM_004447.5, NM_004447.6).
Identifiers: ClinVar variation 769817 (VCV000769817.11), dbSNP rs201331879, ClinGen allele CA6467997.
Genomic context (GRCh38, chr12:15,681,305, plus strand): 5'-TGTTTTTGAACCATGTTCTCTGTCCGTCTGGGAAAAGGTAGGTGATGATCCGTAGCCACT[GTAA>G]TAATAATAATAATAATAATAATAATAATATAAAAAGGTCATTGTGTTGGGTTAAAGTCCA-3'